The following is an entry in ClinVar:

ClinVar aggregate classification (germline): Uncertain significance. Review status: criteria provided, single submitter (1 of 4 stars). 2 submissions from 2 submitters: Uncertain significance (1). 1 of the submissions does not count toward it. Last evaluated 2023-03-11.

Conditions:
Alstrom syndrome (ALMS). Identifiers: Orphanet 64, MedGen C0268425, MONDO:0008763, OMIM 203800.
Cardiovascular phenotype. Identifiers: MedGen CN230736.

Allele frequency attached by ClinVar (database versions not stated): gnomAD exomes below 0.00001; TOPMed below 0.00001.
gnomAD v4.1: 4 of 1,614,158 alleles (0.00025%); highest among the groups gnomAD compares: Non-Finnish European, 0.00034%; no homozygotes.

Submissions (2):

Ambry Genetics
Classification: Uncertain significance for Cardiovascular phenotype. Last evaluated: 2023-03-11. Review status: criteria provided, single submitter. Criteria: Ambry Variant Classification Scheme 2023. Collection method: clinical testing. Allele origin: germline.
Comment: The p.P3147S variant (also known as c.9439C>T), located in coding exon 10 of the ALMS1 gene, results from a C to T substitution at nucleotide position 9439. The proline at codon 3147 is replaced by serine, an amino acid with similar properties. This amino acid position is highly conserved in available vertebrate species. In addition, this alteration is predicted to be tolerated by in silico analysis. Since supporting evidence is limited at this time, the clinical significance of this alteration remains unclear.

Natera, Inc.
Classification: Uncertain significance for Alstrom syndrome. Last evaluated: 2025-01-20. Review status: no assertion criteria provided. Collection method: clinical testing. Allele origin: germline. Not counted in ClinVar's aggregate classification.

NM_001378454.1(ALMS1):c.9436C>T (p.Pro3146Ser)

Gene: ALMS1 (ALMS1 centrosome and basal body associated protein; plus strand). Cytogenetic location: 2p13.1.
Variant type: single nucleotide variant.
Coding change: c.9436C>T on transcript NM_001378454.1 (MANE Select); coding-DNA position 9436, C replaced by T.
Protein change: p.Pro3146Ser; replaces proline 3146 with serine.
Molecular consequence: missense variant.
Genome position (GRCh38, 1-based): chr2:73,491,395, C>T. VCF-style: chr2-73491395-C-T. GRCh37 (hg19) VCF-style: chr2-73718522-C-T.
Other names: c.9439C>T, p.Pro3147Ser (NM_015120.4); short protein forms P3147S, P3146S.
Identifiers: ClinVar variation 2449615 (VCV002449615.3), dbSNP rs1672983127, ClinGen allele CA347274991.